The following is an entry in ClinVar:

NM_001458.5(FLNC):c.5678C>A (p.Ser1893Ter)

Genes: FLNC (filamin C; plus strand), FLNC-AS1 (FLNC antisense RNA 1; minus strand). Cytogenetic location: 7q32.1.
Variant type: single nucleotide variant.
Coding change: c.5678C>A on transcript NM_001458.5 (MANE Select); coding-DNA position 5678, C replaced by A.
Protein change: p.Ser1893Ter; replaces serine 1893 with a stop codon.
Molecular consequence: nonsense. On other transcripts: non-coding transcript variant (1).
Genome position (GRCh38, 1-based): chr7:128,851,464, C>A. VCF-style: chr7-128851464-C-A. GRCh37 (hg19) VCF-style: chr7-128491518-C-A.
Other names: c.5579C>A, p.Ser1860Ter (NM_001127487.2); short protein forms S1860*, S1893*.
Identifiers: ClinVar variation 3750822 (VCV003750822.2).

ClinVar aggregate classification (germline): Pathogenic (1 of 4 stars; one submission).

Conditions:
Distal myopathy with posterior leg and anterior hand involvement. Also called: WILLIAMS DISTAL MYOPATHY. Identifiers: Orphanet 63273, MedGen C3279722, MONDO:0013550, OMIM 614065.
Hypertrophic cardiomyopathy 26. Also called: Cardiomyopathy, familial hypertrophic, 26. Identifiers: Orphanet 75249, MedGen C4310749, MONDO:0014883, OMIM 617047.
Myofibrillar myopathy 5. Also called: Filaminopathy (type); FILAMINOPATHY, AUTOSOMAL DOMINANT. Identifiers: Orphanet 171445, MedGen C1836050, MONDO:0012289, OMIM 609524.

Submission:

Labcorp Genetics (formerly Invitae), Labcorp
Classification: Pathogenic for Distal myopathy with posterior leg and anterior hand involvement; Myofibrillar myopathy 5; Hypertrophic cardiomyopathy 26. Last evaluated: 2024-05-07. Review status: criteria provided, single submitter. Criteria: Invitae Variant Classification Sherloc (09022015). Collection method: clinical testing. Allele origin: germline.
Comment: This sequence change creates a premature translational stop signal (p.Ser1893*) in the FLNC gene. It is expected to result in an absent or disrupted protein product. Loss-of-function variants in FLNC are known to be pathogenic (PMID: 27908349). This variant is not present in population databases (gnomAD no frequency). This variant has not been reported in the literature in individuals affected with FLNC-related conditions. For these reasons, this variant has been classified as Pathogenic.

Literature cited by the submitters: PubMed 27908349.